The following is an entry in ClinVar:

ClinVar aggregate classification (germline): Likely benign. Review status: criteria provided, multiple submitters, no conflicts (2 of 4 stars). 3 submissions from 3 submitters: Likely benign (3). Last evaluated 2024-04-05.

Conditions:
Familial acute necrotizing encephalopathy (IIAE3). Also called: ENCEPHALOPATHY, ACUTE, INFECTION-INDUCED, SUSCEPTIBILITY TO, 3; Susceptibility to Acute Necrotizing Encephalopathy 1. Identifiers: Orphanet 88619, MedGen C2675556, MONDO:0011953, OMIM 608033.

Allele frequency attached by ClinVar (database versions not stated): ExAC 0.00009; gnomAD 0.00009; TOPMed 0.00011; gnomAD exomes 0.00012 and 0.00013; ESP Exome Variant Server 0.00015; 1000 Genomes Project 30x 0.00016; 1000 Genomes Project 0.00020.
gnomAD v4.1: 210 of 1,613,966 alleles (0.013%); highest among the groups gnomAD compares: Middle Eastern, 0.099%; no homozygotes.

Submissions (3):

Blueprint Genetics
Classification: Likely benign. Last evaluated: 2024-04-05. Review status: criteria provided, single submitter. Criteria: ACMG Guidelines, 2015. Collection method: clinical testing. Allele origin: germline.

Labcorp Genetics (formerly Invitae), Labcorp
Classification: Likely benign for Familial acute necrotizing encephalopathy. Last evaluated: 2022-11-22. Review status: criteria provided, single submitter. Criteria: Invitae Variant Classification Sherloc (09022015). Collection method: clinical testing. Allele origin: germline.

GeneDx
Classification: Likely benign. Last evaluated: 2016-03-21. Review status: criteria provided, single submitter. Criteria: GeneDx Variant Classification (06012015). Collection method: clinical testing. Allele origin: germline. Affected: yes.
Comment: This variant is considered likely benign or benign based on one or more of the following criteria: it is a conservative change, it occurs at a poorly conserved position in the protein, it is predicted to be benign by multiple in silico algorithms, and/or has population frequency not consistent with disease.

NM_006267.5(RANBP2):c.8670C>T (p.Ala2890=)

Gene: RANBP2 (RAN binding protein 2; plus strand). Cytogenetic location: 2q13.
Variant type: single nucleotide variant.
Coding change: c.8670C>T on transcript NM_006267.5 (MANE Select); coding-DNA position 8670, C replaced by T.
Protein change: p.Ala2890=; no amino-acid change (alanine 2890 retained).
Molecular consequence: synonymous variant.
Genome position (GRCh38, 1-based): chr2:108,781,339, C>T. VCF-style: chr2-108781339-C-T. GRCh37 (hg19) VCF-style: chr2-109397795-C-T.
Identifiers: ClinVar variation 383623 (VCV000383623.11), dbSNP rs199918785, ClinGen allele CA1823897.
Genomic context (GRCh38, chr2:108,781,339, plus strand): 5'-CCAATGGGCAAATACTGGAGCAGCTGTGTTTGGAACACAGTCAGTCGGAACCCAGTCAGC[C>T]GGTAAAGTTGGTGAAGATGAAGATGGTAGTGATGAAGAAGTAGTTCATAATGAAGATATC-3'
Protein context (NP_006258.3, residues 2880-2900): FGTQSVGTQS[Ala2890=]GKVGEDEDGS